The following is an entry in ClinVar:

ClinVar aggregate classification (germline): Uncertain significance (1 of 4 stars; one submission).

Conditions:
Idiopathic generalized epilepsy. Also called: EIG; Generalised epilepsy. Identifiers: MedGen C0270850, MONDO:0005579, OMIM 600669.

Allele frequency attached by ClinVar (database versions not stated): TOPMed 0.00001; gnomAD 0.00002; ExAC 0.00014.
gnomAD v4.1: 32 of 1,547,154 alleles (0.0021%); highest among the groups gnomAD compares: South Asian, 0.0059%; no homozygotes.

Submission:

Labcorp Genetics (formerly Invitae), Labcorp
Classification: Uncertain significance for Idiopathic generalized epilepsy. Last evaluated: 2023-12-27. Review status: criteria provided, single submitter. Criteria: Invitae Variant Classification Sherloc (09022015). Collection method: clinical testing. Allele origin: germline.
Comment: This sequence change replaces arginine, which is basic and polar, with glutamine, which is neutral and polar, at codon 244 of the GABRD protein (p.Arg244Gln). This variant is present in population databases (rs555313992, gnomAD 0.01%). This variant has not been reported in the literature in individuals affected with GABRD-related conditions. An algorithm developed to predict the effect of missense changes on protein structure and function (PolyPhen-2) suggests that this variant is likely to be disruptive. Algorithms developed to predict the effect of sequence changes on RNA splicing suggest that this variant may disrupt the consensus splice site. In summary, the available evidence is currently insufficient to determine the role of this variant in disease. Therefore, it has been classified as a Variant of Uncertain Significance.

NM_000815.5(GABRD):c.731G>A (p.Arg244Gln)

Gene: GABRD (gamma-aminobutyric acid type A receptor subunit delta; plus strand). Cytogenetic location: 1p36.33.
Variant type: single nucleotide variant.
Coding change: c.731G>A on transcript NM_000815.5 (MANE Select); coding-DNA position 731, G replaced by A.
Protein change: p.Arg244Gln; replaces arginine 244 with glutamine.
Molecular consequence: missense variant.
Genome position (GRCh38, 1-based): chr1:2,029,150, G>A. VCF-style: chr1-2029150-G-A. GRCh37 (hg19) VCF-style: chr1-1960589-G-A.
Other names: short protein forms R244Q.
Identifiers: ClinVar variation 2974452 (VCV002974452.3), dbSNP rs555313992, ClinGen allele CA534781.
Genomic context (GRCh38, chr1:2,029,150, plus strand): 5'-TGACGGTGGCTGTCCTGGCAGCTGGCCAGTTCCCACGGCTCAGCCTGCACTTCCACCTGC[G>A]GAGGAACCGCGGCGTGTACATCATCCAATCCTACATGCCCTCCGTCCTGCTGGTCGCCAT-3'
Protein context (NP_000806.2, residues 234-254): FPRLSLHFHL[Arg244Gln]RNRGVYIIQS